The following is an entry in ClinVar:

ClinVar aggregate classification (germline): Likely pathogenic (1 of 4 stars; one submission).

Conditions:
Hereditary nonpolyposis colorectal neoplasms. Identifiers: MedGen C0009405, MeSH D003123.

Submission:

Labcorp Genetics (formerly Invitae), Labcorp
Classification: Likely pathogenic for Hereditary nonpolyposis colorectal neoplasms. Last evaluated: 2023-02-02. Review status: criteria provided, single submitter. Criteria: Invitae Variant Classification Sherloc (09022015). Collection method: clinical testing. Allele origin: germline.
Comment: In summary, the currently available evidence indicates that the variant is pathogenic, but additional data are needed to prove that conclusively. Therefore, this variant has been classified as Likely Pathogenic. Algorithms developed to predict the effect of sequence changes on RNA splicing suggest that this variant may disrupt the consensus splice site. Disruption of this splice site has been observed in individual(s) with high hyperdiploidy acute lymphoblastic leukemia (PMID: 31102422). This variant is not present in population databases (gnomAD no frequency). This sequence change affects a donor splice site in intron 4 of the PMS2 gene. It is expected to disrupt RNA splicing. Variants that disrupt the donor or acceptor splice site typically lead to a loss of protein function (PMID: 16199547), and loss-of-function variants in PMS2 are known to be pathogenic (PMID: 21376568, 24362816).

Literature cited by the submitters: PubMed 31102422; PubMed 16199547; PubMed 21376568; PubMed 24362816.

NM_000535.7(PMS2):c.353+2T>G

Gene: PMS2 (PMS1 homolog 2, mismatch repair system component; minus strand). Cytogenetic location: 7p22.1.
Variant type: single nucleotide variant.
Coding change: c.353+2T>G on transcript NM_000535.7 (MANE Select); the canonical splice donor site of the intron after coding-DNA position 353, T replaced by G.
Molecular consequence: splice donor variant. On other transcripts: intron variant (22).
Genome position (GRCh38, 1-based): chr7:6,003,688, A>C on the plus strand (T>G on the coding strand, the complement: PMS2 is on the minus strand). VCF-style: chr7-6003688-A-C. GRCh37 (hg19) VCF-style: chr7-6043319-A-C.
Other names: c.353+2T>G (NM_001406874.1, NM_001406869.1, NM_001406873.1 and 8 more transcripts); c.-532+2T>G (NM_001322011.2, NM_001322012.2); c.-53+2T>G (NM_001322009.2, NM_001322005.2, NM_001406891.1 and 13 more transcripts); c.-53+55T>G (NM_001406894.1, NM_001406899.1, NM_001406909.1 and 6 more transcripts); c.-132+2T>G (NM_001406878.1, NM_001406882.1, NM_001406875.1 and 3 more transcripts); c.377+2T>G (NM_001406868.1); c.539+2T>G (NM_001406866.1); c.-52-1052T>G (NM_001406896.1); and 5 more.
Identifiers: ClinVar variation 2833881 (VCV002833881.3), dbSNP rs111466480, ClinGen allele CA153247769.